The following is an entry in ClinVar:

ClinVar aggregate classification (germline): Uncertain significance (1 of 4 stars; one submission).

Conditions:
Neurodevelopmental disorder with hypotonia, microcephaly, and seizures (NEDHYMS). Identifiers: MedGen C5394312, MONDO:0030025, OMIM 618862.

Submission:

Neuberg Centre For Genomic Medicine, NCGM
Classification: Uncertain significance for Neurodevelopmental disorder with hypotonia, microcephaly, and seizures. Last evaluated: 2023-05-20. Review status: criteria provided, single submitter. Criteria: ACMG Guidelines, 2015. Collection method: clinical testing. Allele origin: germline. Inheritance: Autosomal recessive inheritance. Affected: yes.
Comment: The missense c.827G>T (p.Gly276Val) variant in the ADARB1 gene has not been reported previously as a pathogenic variant nor as a benign variant, to our knowledge. This variant is absent in the gnomAD Exomes. The amino acid Glycine at position 276 is changed to a Valine changing protein sequence and it might alter its composition and physico-chemical properties. Multiple lines of computational evidence (Polyphen - Damaging, SIFT – Damaging and MutationTaster - Disease causing) predict a damaging effect on protein structure and function for this variant. The amino acid change p.Gly276Val in ADARB1 is predicted as conserved by GERP++ and PhyloP across 100 vertebrates. For these reasons, this variant has been classified as Uncertain Significance.

NM_001112.4(ADARB1):c.827G>T (p.Gly276Val)

Gene: ADARB1 (adenosine deaminase RNA specific B1; plus strand). Cytogenetic location: 21q22.3.
Variant type: single nucleotide variant.
Coding change: c.827G>T on transcript NM_001112.4 (MANE Select); coding-DNA position 827, G replaced by T.
Protein change: p.Gly276Val; replaces glycine 276 with valine.
Molecular consequence: missense variant. On other transcripts: non-coding transcript variant (4).
Genome position (GRCh38, 1-based): chr21:45,176,528, G>T. VCF-style: chr21-45176528-G-T. GRCh37 (hg19) VCF-style: chr21-46596443-G-T.
Other names: c.827G>T, p.Gly276Val (NM_001160230.2, NM_001346688.2, NM_015833.4 and 1 more transcripts); c.974G>T, p.Gly325Val (NM_001346687.2, NM_001410722.1); short protein forms G276V, G325V.
Identifiers: ClinVar variation 3341324 (VCV003341324.1).